The following is an entry in ClinVar:

ClinVar aggregate classification (germline): Conflicting classifications of pathogenicity. Review status: criteria provided, conflicting classifications (1 of 4 stars). 2 submissions from 2 submitters: Uncertain significance (1); Likely benign (1). Last evaluated 2026-01-01.

gnomAD v4.1: 7 of 1,614,070 alleles (0.00043%); highest among the groups gnomAD compares: African/African-American, 0.008%; no homozygotes.

Submissions (2):

Labcorp Genetics (formerly Invitae), Labcorp
Classification: Likely benign. Last evaluated: 2026-01-01. Review status: criteria provided, single submitter. Criteria: Invitae Variant Classification Sherloc (09022015). Collection method: clinical testing. Allele origin: germline.

Women's Health and Genetics/Laboratory Corporation of America, LabCorp
Classification: Uncertain significance. Last evaluated: 2024-07-12. Review status: criteria provided, single submitter. Criteria: LabCorp Variant Classification Summary - May 2015. Collection method: clinical testing. Allele origin: germline.
Comment: Variant summary: HIVEP2 c.1811G>A (p.Gly604Asp) results in a non-conservative amino acid change in the encoded protein sequence. Four of five in-silico tools predict a damaging effect of the variant on protein function. The variant allele was found at a frequency of 4e-06 in 249530 control chromosomes. The available data on variant occurrences in the general population are insufficient to allow any conclusion about variant significance. To our knowledge, no occurrence of c.1811G>A in individuals affected with Intellectual Disability, Autosomal Dominant 43 and no experimental evidence demonstrating its impact on protein function have been reported. No submitters have cited clinical-significance assessments for this variant to ClinVar. Based on the evidence outlined above, the variant was classified as uncertain significance.

NM_006734.4(HIVEP2):c.1811G>A (p.Gly604Asp)

Gene: HIVEP2 (HIVEP zinc finger 2; minus strand). Cytogenetic location: 6q24.2.
Variant type: single nucleotide variant.
Coding change: c.1811G>A on transcript NM_006734.4 (MANE Select); coding-DNA position 1811, G replaced by A.
Protein change: p.Gly604Asp; replaces glycine 604 with aspartic acid.
Molecular consequence: missense variant.
Genome position (GRCh38, 1-based): chr6:142,772,928, C>T on the plus strand (G>A on the coding strand, the complement: HIVEP2 is on the minus strand). VCF-style: chr6-142772928-C-T. GRCh37 (hg19) VCF-style: chr6-143094065-C-T.
Other names: short protein forms G604D.
Identifiers: ClinVar variation 3338915 (VCV003338915.2).